The following is an entry in ClinVar:

ClinVar aggregate classification (germline): Uncertain significance (1 of 4 stars; one submission).

Conditions:
Cone-rod dystrophy 6 (CORD6). Also called: Cone dystrophy progressive; RETINAL CONE DYSTROPHY 2. Identifiers: Orphanet 1872, MedGen C1866293, MONDO:0011143, OMIM 601777.
Leber congenital amaurosis 1 (LCA1). Also called: AMAUROSIS CONGENITA OF LEBER I; Congenital absence of the rods and cones; Leber's congenital tapetoretinal degeneration; Leber's congenital tapetoretinal dysplasia; RETINAL BLINDNESS, CONGENITAL. Identifiers: Orphanet 65, MedGen C2931258, MONDO:0008764, OMIM 204000.

Submission:

Labcorp Genetics (formerly Invitae), Labcorp
Classification: Uncertain significance for Leber congenital amaurosis 1; Cone-rod dystrophy 6. Last evaluated: 2024-10-22. Review status: criteria provided, single submitter. Criteria: Invitae Variant Classification Sherloc (09022015). Collection method: clinical testing. Allele origin: germline.
Comment: This sequence change replaces aspartic acid, which is acidic and polar, with histidine, which is basic and polar, at codon 548 of the GUCY2D protein (p.Asp548His). This variant is not present in population databases (gnomAD no frequency). This variant has not been reported in the literature in individuals affected with GUCY2D-related conditions. Invitae Evidence Modeling of protein sequence and biophysical properties (such as structural, functional, and spatial information, amino acid conservation, physicochemical variation, residue mobility, and thermodynamic stability) indicates that this missense variant is not expected to disrupt GUCY2D protein function with a negative predictive value of 80%. In summary, the available evidence is currently insufficient to determine the role of this variant in disease. Therefore, it has been classified as a Variant of Uncertain Significance.

NM_000180.4(GUCY2D):c.1642G>C (p.Asp548His)

Gene: GUCY2D (guanylate cyclase 2D, retinal; plus strand). Cytogenetic location: 17p13.1.
Variant type: single nucleotide variant.
Coding change: c.1642G>C on transcript NM_000180.4 (MANE Select); coding-DNA position 1642, G replaced by C.
Protein change: p.Asp548His; replaces aspartic acid 548 with histidine.
Molecular consequence: missense variant.
Genome position (GRCh38, 1-based): chr17:8,008,006, G>C. VCF-style: chr17-8008006-G-C. GRCh37 (hg19) VCF-style: chr17-7911324-G-C.
Other names: short protein forms D548H.
Identifiers: ClinVar variation 3752663 (VCV003752663.2).